The following is an entry in ClinVar:

NM_005546.4(ITK):c.226T>C (p.Tyr76His)

Gene: ITK (IL2 inducible T cell kinase; plus strand). Cytogenetic location: 5q33.3.
Variant type: single nucleotide variant.
Coding change: c.226T>C on transcript NM_005546.4 (MANE Select); coding-DNA position 226, T replaced by C.
Protein change: p.Tyr76His; replaces tyrosine 76 with histidine.
Molecular consequence: missense variant.
Genome position (GRCh38, 1-based): chr5:157,208,976, T>C. VCF-style: chr5-157208976-T-C. GRCh37 (hg19) VCF-style: chr5-156635987-T-C.
Other names: short protein forms Y76H.
Identifiers: ClinVar variation 3622532 (VCV003622532.2).

ClinVar aggregate classification (germline): Uncertain significance (1 of 4 stars; one submission).

Conditions:
Lymphoproliferative syndrome 1 (LPFS1). Identifiers: Orphanet 238505, Orphanet 538963, MedGen C3552634, MONDO:0013081, OMIM 613011.

gnomAD v4.1: 2 of 1,612,532 alleles (0.00012%); highest among the groups gnomAD compares: Admixed American, 0.0033%; no homozygotes.

Submission:

Labcorp Genetics (formerly Invitae), Labcorp
Classification: Uncertain significance for Lymphoproliferative syndrome 1. Last evaluated: 2024-11-06. Review status: criteria provided, single submitter. Criteria: Invitae Variant Classification Sherloc (09022015). Collection method: clinical testing. Allele origin: germline.
Comment: This sequence change replaces tyrosine, which is neutral and polar, with histidine, which is basic and polar, at codon 76 of the ITK protein (p.Tyr76His). This variant is not present in population databases (gnomAD no frequency). This variant has not been reported in the literature in individuals affected with ITK-related conditions. Invitae Evidence Modeling of protein sequence and biophysical properties (such as structural, functional, and spatial information, amino acid conservation, physicochemical variation, residue mobility, and thermodynamic stability) indicates that this missense variant is not expected to disrupt ITK protein function with a negative predictive value of 95%. In summary, the available evidence is currently insufficient to determine the role of this variant in disease. Therefore, it has been classified as a Variant of Uncertain Significance.